The following is an entry in ClinVar:

ClinVar aggregate classification (germline): Uncertain significance. Review status: criteria provided, multiple submitters, no conflicts (2 of 4 stars). 2 submissions from 2 submitters: Uncertain significance (2). Last evaluated 2020-12-04.

Conditions:
Autosomal recessive severe congenital neutropenia due to CSF3R deficiency. Also called: Neutropenia, severe congenital, 7, autosomal recessive. Identifiers: Orphanet 420702, MedGen C4310764, MONDO:0014865, OMIM 617014.

Allele frequency attached by ClinVar (database versions not stated): gnomAD below 0.00001 and 0.00001; gnomAD exomes 0.00002; ExAC 0.00003.
gnomAD v4.1: 25 of 1,613,922 alleles (0.0015%); highest among the groups gnomAD compares: South Asian, 0.027%; no homozygotes.

Submissions (2):

Blueprint Genetics
Classification: Uncertain significance. Last evaluated: 2020-12-04. Review status: criteria provided, single submitter. Criteria: ACMG Guidelines, 2015. Collection method: clinical testing. Allele origin: germline.

Labcorp Genetics (formerly Invitae), Labcorp
Classification: Uncertain significance for Autosomal recessive severe congenital neutropenia due to CSF3R deficiency. Last evaluated: 2019-07-16. Review status: criteria provided, single submitter. Criteria: Invitae Variant Classification Sherloc (09022015). Collection method: clinical testing. Allele origin: germline.
Comment: In summary, the available evidence is currently insufficient to determine the role of this variant in disease. Therefore, it has been classified as a Variant of Uncertain Significance. Algorithms developed to predict the effect of missense changes on protein structure and function are either unavailable or do not agree on the potential impact of this missense change (SIFT: "Deleterious"; PolyPhen-2: "Benign"; Align-GVGD: "Class C0"). This variant has not been reported in the literature in individuals with CSF3R-related conditions. This variant is present in population databases (rs749559806, ExAC 0.02%). This sequence change replaces histidine with leucine at codon 436 of the CSF3R protein (p.His436Leu). The histidine residue is highly conserved and there is a moderate physicochemical difference between histidine and leucine.

NM_000760.4(CSF3R):c.1307A>T (p.His436Leu)

Gene: CSF3R (colony stimulating factor 3 receptor; minus strand). Cytogenetic location: 1p34.3.
Variant type: single nucleotide variant.
Coding change: c.1307A>T on transcript NM_000760.4 (MANE Select); coding-DNA position 1307, A replaced by T.
Protein change: p.His436Leu; replaces histidine 436 with leucine.
Molecular consequence: missense variant.
Genome position (GRCh38, 1-based): chr1:36,469,819, T>A on the plus strand (A>T on the coding strand, the complement: CSF3R is on the minus strand). VCF-style: chr1-36469819-T-A. GRCh37 (hg19) VCF-style: chr1-36935420-T-A.
Other names: c.1307A>T, p.His436Leu (NM_156039.3, NM_172313.3); short protein forms H436L.
Identifiers: ClinVar variation 950106 (VCV000950106.10), dbSNP rs749559806, ClinGen allele CA769221.
Genomic context (GRCh38, chr1:36,469,819, plus strand): 5'-GGCCATGGATTGGGGGGCTCCCAGCCTACCCAGAGGCTGTGAGGGTCTCGGGCCATGGCA[T>A]GGAGTCTGGTCAGAGCTGGGCCTGGAGACAGGGTGGGAAATGGTGGAATGAAGGTGAAAA-3'
Protein context (NP_000751.1, residues 426-446): ESRGPALTRL[His436Leu]AMARDPHSLW